The following is an entry in ClinVar:

ClinVar aggregate classification (germline): Uncertain significance. Review status: criteria provided, multiple submitters, no conflicts (2 of 4 stars). 3 submissions from 3 submitters: Uncertain significance (3). Last evaluated 2025-08-22.

Conditions:
Peripheral neuropathy. Also called: Neuropathy. Identifiers: MedGen C0031117, MONDO:0005244, HP:0009830.

Allele frequency attached by ClinVar (database versions not stated): ExAC 0.00001; gnomAD exomes 0.00001 and 0.00005; gnomAD 0.00002 and 0.00003; TOPMed 0.00003; ESP Exome Variant Server 0.00008.
gnomAD v4.1: 70 of 1,613,464 alleles (0.0043%); highest among the groups gnomAD compares: Non-Finnish European, 0.0057%; no homozygotes.

Submissions (3):

Ambry Genetics
Classification: Uncertain significance. Last evaluated: 2025-08-22. Review status: criteria provided, single submitter. Criteria: Ambry Variant Classification Scheme 2023. Collection method: clinical testing. Allele origin: germline.

CeGaT Center for Human Genetics Tuebingen
Classification: Uncertain significance. Last evaluated: 2022-06-01. Review status: criteria provided, single submitter. Criteria: CeGaT Center For Human Genetics Tuebingen Variant Classification Criteria Version 2. Collection method: clinical testing. Allele origin: germline. Affected: yes. Observed: 1 variant allele.
Comment: FLRT1: PM2, BP4

Labcorp Genetics (formerly Invitae), Labcorp
Classification: Uncertain significance for Peripheral neuropathy. Last evaluated: 2019-07-03. Review status: criteria provided, single submitter. Criteria: Invitae Variant Classification Sherloc (09022015). Collection method: clinical testing. Allele origin: germline.
Comment: This sequence change replaces serine with glycine at codon 594 of the FLRT1 protein (p.Ser594Gly). The serine residue is highly conserved and there is a small physicochemical difference between serine and glycine. This variant is present in population databases (rs150249733, ExAC 0.002%). This variant has not been reported in the literature in individuals with FLRT1-related disease. Algorithms developed to predict the effect of missense changes on protein structure and function output the following: SIFT: "Tolerated"; PolyPhen-2: "Benign"; Align-GVGD: "Class C0". The glycine amino acid residue is found in multiple mammalian species, suggesting that this missense change does not adversely affect protein function. These predictions have not been confirmed by published functional studies and their clinical significance is uncertain. In summary, the available evidence is currently insufficient to determine the role of this variant in disease. Therefore, it has been classified as a Variant of Uncertain Significance.

NM_013280.5(FLRT1):c.1780A>G (p.Ser594Gly)

Genes: MACROD1 (mono-ADP ribosylhydrolase 1; minus strand), FLRT1 (fibronectin leucine rich transmembrane protein 1; plus strand). Cytogenetic location: 11q13.1.
Variant type: single nucleotide variant.
Coding change: c.1780A>G on transcript NM_013280.5 (MANE Select); coding-DNA position 1780, A replaced by G.
Protein change: p.Ser594Gly; replaces serine 594 with glycine.
Molecular consequence: missense variant. On other transcripts: intron variant (2).
Genome position (GRCh38, 1-based): chr11:64,118,047, A>G. VCF-style: chr11-64118047-A-G. GRCh37 (hg19) VCF-style: chr11-63885519-A-G.
Other names: c.1780A>G, p.Ser594Gly (NM_001384466.1); c.1696A>G, p.Ser566Gly (NM_001423967.1); c.517+33192T>C (NM_001411019.1, NM_014067.4); short protein forms S594G, S566G.
Identifiers: ClinVar variation 530940 (VCV000530940.37), dbSNP rs150249733, ClinGen allele CA6067787.